The following is an entry in ClinVar:

ClinVar aggregate classification (germline): Conflicting classifications of pathogenicity. Review status: criteria provided, conflicting classifications (1 of 4 stars). 9 submissions from 9 submitters: Uncertain significance (7); Likely benign (1). 1 of the submissions does not count toward it. Last evaluated 2025-11-17.

Conditions:
Hereditary cancer-predisposing syndrome. Also called: Hereditary Cancer Syndrome; Neoplastic Syndromes, Hereditary; Hereditary neoplastic syndrome; Tumor predisposition. Identifiers: Orphanet 140162, MedGen C0027672, MeSH D009386, MONDO:0015356.
Familial cancer of breast. Also called: BREAST CANCER, FAMILIAL; Hereditary breast cancer; hereditary breast carcinoma. Identifiers: Orphanet 227535, MedGen C0346153, MONDO:0016419, OMIM 114480. Disease mechanism: loss of function.

Allele frequency attached by ClinVar (database versions not stated): gnomAD exomes below 0.00001 and 0.00002.
gnomAD v4.1: 31 of 1,614,166 alleles (0.0019%); highest among the groups gnomAD compares: Non-Finnish European, 0.0025%; no homozygotes.

Submissions (9):

Labcorp Genetics (formerly Invitae), Labcorp
Classification: Uncertain significance for Familial cancer of breast. Last evaluated: 2025-11-17. Review status: criteria provided, single submitter. Criteria: Invitae Variant Classification Sherloc (09022015). Collection method: clinical testing. Allele origin: germline.
Comment: This sequence change replaces threonine, which is neutral and polar, with arginine, which is basic and polar, at codon 247 of the PALB2 protein (p.Thr247Arg). This variant is present in population databases (rs587782658, gnomAD 0.0009%). This missense change has been observed in individual(s) with breast or ovarian cancer (PMID: 26283626, 26315354, 32546565). ClinVar contains an entry for this variant (Variation ID: 142706). An algorithm developed to predict the effect of missense changes on protein structure and function (PolyPhen-2) suggests that this variant is likely to be disruptive. In summary, the available evidence is currently insufficient to determine the role of this variant in disease. Therefore, it has been classified as a Variant of Uncertain Significance.

Color Diagnostics, LLC DBA Color Health
Classification: Uncertain significance for Hereditary cancer-predisposing syndrome. Last evaluated: 2024-10-14. Review status: criteria provided, single submitter. Criteria: ACMG Guidelines, 2015. Collection method: clinical testing. Allele origin: germline.
Comment: This missense variant replaces threonine with arginine at codon 247 of the PALB2 protein. Computational prediction suggests that this variant may not impact protein structure and function. To our knowledge, functional studies have not been reported for this variant. This variant has been reported in a suspected hereditary breast and ovarian cancer family (PMID: 26283626), in at least one individual affected with ovarian cancer (PMID: 32546565), and in a breast cancer case-control meta-analysis in 1/60466 cases and 3/53461 unaffected individuals (PMID: 33471991; Leiden Open Variation Database DB-ID PALB2_011131). This variant also has been detected in an individual unaffected with cancer in an ovarian cancer case-control study (PMID: 26315354) and in an individual older than age 70 years who has never had cancer (FLOSSIES database). This variant has been identified in 1/251278 chromosomes in the general population by the Genome Aggregation Database (gnomAD). The available evidence is insufficient to determine the role of this variant in disease conclusively. Therefore, this variant is classified as a Variant of Uncertain Significance.

GeneDx
Classification: Uncertain significance. Last evaluated: 2023-12-19. Review status: criteria provided, single submitter. Criteria: GeneDx Variant Classification Process June 2021. Collection method: clinical testing. Allele origin: germline. Affected: yes.
Comment: Not observed at significant frequency in large population cohorts (gnomAD); In silico analysis supports that this missense variant has a deleterious effect on protein structure/function; This variant is associated with the following publications: (PMID: 28779002, 26283626, 26315354, 19369211, 32546565)

Baylor Genetics
Classification: Uncertain significance for Familial cancer of breast. Last evaluated: 2023-12-18. Review status: criteria provided, single submitter. Criteria: ACMG Guidelines, 2015. Collection method: clinical testing. Allele origin: unknown.

Ambry Genetics
Classification: Likely benign for Hereditary cancer-predisposing syndrome. Last evaluated: 2023-12-09. Review status: criteria provided, single submitter. Criteria: Ambry Variant Classification Scheme 2023. Collection method: clinical testing. Allele origin: germline.

Myriad Genetics, Inc.
Classification: Uncertain significance for Familial cancer of breast. Last evaluated: 2023-03-31. Review status: criteria provided, single submitter. Criteria: Myriad Autosomal Dominant, Autosomal Recessive and X-Linked Classification Criteria (2023). Collection method: clinical testing. Allele origin: unknown.
Comment: This variant is classified as a variant of uncertain significance as there is insufficient evidence to determine its impact on protein function and/or cancer risk.

Women's Health and Genetics/Laboratory Corporation of America, LabCorp
Classification: Uncertain significance. Last evaluated: 2016-04-25. Review status: criteria provided, single submitter. Criteria: LabCorp Variant Classification Summary - May 2015. Collection method: clinical testing. Allele origin: germline.
Comment: Variant summary: The c.740C>G variant affects a non-conserved nucleotide, resulting in amino acid change from Thr to Arg. 3/4 in-silico tools predict this variant to be damaging (SNPs&GO not captured due to low reliability index). This variant is not found in 125258 control chromosomes. This variant has been detected in one BrC pt without strong evidence for causality (Thompson_BCR_2015). In addition, one clinical laboratory/reputable database classified this variant as VUS, without evidence to independently evaluate. Because of the lack of clinical information and functional studies, the variant was classified as a variant of uncertain significance (VUS) until additional information becomes available.

Cancer Genetics Laboratory, Peter MacCallum Cancer Centre
Classification: Uncertain significance for Familial cancer of breast. Last evaluated: 2015-06-01. Review status: criteria provided, single submitter. Criteria: Thompson et al. (Breast Cancer Res. 2015). Collection method: case-control. Allele origin: germline. Affected: yes. Observed: 1 variant allele, 1 heterozygote.

Counsyl
Classification: Uncertain significance for Familial cancer of breast. Last evaluated: 2017-08-23. Review status: no assertion criteria provided. Collection method: clinical testing. Allele origin: unknown. Not counted in ClinVar's aggregate classification.

Literature cited by the submitters: PubMed 26283626 (cited by 4 submitters); PubMed 26315354 (cited by 4 submitters); PubMed 32546565 (cited by 3 submitters); PubMed 33471991 (cited by Color Diagnostics, LLC DBA Color Health); PubMed 28779002 (cited by Ambry Genetics).

NM_024675.4(PALB2):c.740C>G (p.Thr247Arg)

Gene: PALB2 (partner and localizer of BRCA2; minus strand). Cytogenetic location: 16p12.2.
Variant type: single nucleotide variant.
Coding change: c.740C>G on transcript NM_024675.4 (MANE Select); coding-DNA position 740, C replaced by G.
Protein change: p.Thr247Arg; replaces threonine 247 with arginine.
Molecular consequence: missense variant.
Genome position (GRCh38, 1-based): chr16:23,635,806, G>C on the plus strand (C>G on the coding strand, the complement: PALB2 is on the minus strand). VCF-style: chr16-23635806-G-C. GRCh37 (hg19) VCF-style: chr16-23647127-G-C.
Other names: short protein forms T247R.
Identifiers: ClinVar variation 142706 (VCV000142706.24), dbSNP rs587782658, ClinGen allele CA169202.